The following is an entry in ClinVar:

NM_001042492.3(NF1):c.6622G>A (p.Ala2208Thr)

Gene: NF1 (neurofibromin 1; plus strand). Cytogenetic location: 17q11.2.
Variant type: single nucleotide variant.
Coding change: c.6622G>A on transcript NM_001042492.3 (MANE Select); coding-DNA position 6622, G replaced by A.
Protein change: p.Ala2208Thr; replaces alanine 2208 with threonine.
Molecular consequence: missense variant.
Genome position (GRCh38, 1-based): chr17:31,337,562, G>A. VCF-style: chr17-31337562-G-A. GRCh37 (hg19) VCF-style: chr17-29664580-G-A.
Other names: c.6559G>A, p.Ala2187Thr (NM_000267.4); short protein forms A2187T, A2208T.
Identifiers: ClinVar variation 1053149 (VCV001053149.5), dbSNP rs2151556592, ClinGen allele CA399013470.

ClinVar aggregate classification (germline): Uncertain significance (1 of 4 stars; one submission).

Conditions:
Neurofibromatosis, type 1 (NF1). Also called: Peripheral type neurofibromatosis; Neurofibromatosis, type I; VON RECKLINGHAUSEN DISEASE; NEUROFIBROMATOSIS, TYPE I, SOMATIC. Identifiers: Orphanet 636, MedGen C0027831, MONDO:0018975, OMIM 162200. Disease mechanism: loss of function.

Submission:

Labcorp Genetics (formerly Invitae), Labcorp
Classification: Uncertain significance for Neurofibromatosis, type 1. Last evaluated: 2025-09-02. Review status: criteria provided, single submitter. Criteria: Invitae Variant Classification Sherloc (09022015). Collection method: clinical testing. Allele origin: germline.
Comment: This sequence change replaces alanine, which is neutral and non-polar, with threonine, which is neutral and polar, at codon 2187 of the NF1 protein (p.Ala2187Thr). This variant is not present in population databases (gnomAD no frequency). This variant has not been reported in the literature in individuals affected with NF1-related conditions. ClinVar contains an entry for this variant (Variation ID: 1053149). Invitae Evidence Modeling of protein sequence and biophysical properties (such as structural, functional, and spatial information, amino acid conservation, physicochemical variation, residue mobility, and thermodynamic stability) has been performed for this missense variant. However, the output from this modeling did not meet the statistical confidence thresholds required to predict the impact of this variant on NF1 protein function. This variant disrupts the p.Ala2187 amino acid residue in NF1. Other variant(s) that disrupt this residue have been determined to be pathogenic (internal data). This suggests that this residue is clinically significant, and that variants that disrupt this residue are likely to be disease-causing. In summary, the available evidence is currently insufficient to determine the role of this variant in disease. Therefore, it has been classified as a Variant of Uncertain Significance.